The following is an entry in ClinVar:

NM_024652.6(LRRK1):c.607A>G (p.Lys203Glu)

Gene: LRRK1 (leucine rich repeat kinase 1; plus strand). Cytogenetic location: 15q26.3.
Variant type: single nucleotide variant.
Coding change: c.607A>G on transcript NM_024652.6 (MANE Select); coding-DNA position 607, A replaced by G.
Protein change: p.Lys203Glu; replaces lysine 203 with glutamic acid.
Molecular consequence: missense variant.
Genome position (GRCh38, 1-based): chr15:100,988,807, A>G. VCF-style: chr15-100988807-A-G. GRCh37 (hg19) VCF-style: chr15-101529012-A-G.
Other names: c.607A>G (NM_024652.5); short protein forms K203E.
Identifiers: ClinVar variation 1537753 (VCV001537753.11), dbSNP rs35985016, ClinGen allele CA7760645.

ClinVar aggregate classification (germline): Benign. Review status: criteria provided, multiple submitters, no conflicts (2 of 4 stars). 3 submissions from 3 submitters: Benign (2). 1 of the submissions does not count toward it. Last evaluated 2025-11-25.

Conditions:
LRRK1-related disorder. Also called: LRRK1-related condition.

Allele frequency attached by ClinVar (database versions not stated): ESP Exome Variant Server 0.00104; gnomAD 0.00198 and 0.00283; TOPMed 0.00206; gnomAD exomes 0.00327 and 0.00487; ExAC 0.00546; 1000 Genomes Project 30x 0.00859; 1000 Genomes Project 0.00998.
gnomAD v4.1: 5,146 of 1,597,388 alleles (0.32%); highest among the groups gnomAD compares: East Asian, 7.1%; 168 homozygotes.

Submissions (3):

Labcorp Genetics (formerly Invitae), Labcorp
Classification: Benign. Last evaluated: 2025-11-25. Review status: criteria provided, single submitter. Criteria: Invitae Variant Classification Sherloc (09022015). Collection method: clinical testing. Allele origin: germline.

Breakthrough Genomics
Classification: Benign. Review status: criteria provided, single submitter. Criteria: ACMG Guidelines, 2015. Collection method: not provided. Allele origin: germline. Inheritance: Autosomal recessive inheritance. Affected: yes.

PreventionGenetics, part of Exact Sciences
Classification: Benign for LRRK1-related condition. Last evaluated: 2019-09-26. Review status: no assertion criteria provided. Collection method: clinical testing. Allele origin: germline. Not counted in ClinVar's aggregate classification.
Comment: This variant is classified as benign based on ACMG/AMP sequence variant interpretation guidelines (Richards et al. 2015 PMID: 25741868, with internal and published modifications).